The following is an entry in ClinVar:

ClinVar aggregate classification (germline): Likely pathogenic. Review status: criteria provided, multiple submitters, no conflicts (2 of 4 stars). 2 submissions from 2 submitters: Likely pathogenic (2). Last evaluated 2022-02-02.

Conditions:
Alport syndrome. Also called: Hemorrhagic familial nephritis; Hemorrhagic hereditary nephritis; Congenital hereditary hematuria. Identifiers: Orphanet 63, MedGen C1567741, MONDO:0018965.

Allele frequency attached by ClinVar (database versions not stated): gnomAD 0.00001.
gnomAD v4.1: 1 of 1,613,974 alleles (0.000062%); highest among the groups gnomAD compares: Non-Finnish European, 0.000085%; no homozygotes.

Submissions (2):

Victorian Clinical Genetics Services, Murdoch Childrens Research Institute
Classification: Likely pathogenic for Alport syndrome. Last evaluated: 2022-02-02. Review status: criteria provided, single submitter. Criteria: ACMG Guidelines, 2015. Collection method: clinical testing. Allele origin: germline. Affected: yes.
Comment: Based on the classification scheme VCGS_Germline_v1.3.4, this variant is classified as Likely pathogenic. Following criteria are met: 0103 - Dominant negative and loss of function are known mechanisms of disease in this gene and are associated with COL4A3-related nephropathy. Glycine changes that are part of a G-X-Y repeat in the triple helix of a collagen domain are known to have a dominant negative effect (PMID: 12028435). (I) 0108 - This gene is associated with both recessive (Alport syndrome 2 MIM#203780) and dominant disease (Alport syndrome 3 MIM#104200 and benign familial hematuria MIM#141200) (OMIM). (I) 0211 - Canonical splice site variant without proven consequence on splicing (no functional evidence available). (SP) 0252 - This variant is homozygous. (I) 0304 - Variant is present in gnomAD <0.01 for a recessive condition (v2: 1 heterozygote, 0 homozygotes). (SP) 0311 - An alternative nucleotide change at the same canonical splice site, is present in gnomAD (v2) at a frequency of 0.000008839 (c.2224-1G>A: 1 heterozygote, 0 homozygotes). (SB) 0505 - Abnormal splicing is predicted by in silico tools and affected nucleotide is highly conserved. (SP) 0704 - Another splice variant comparable to the one identified in this case has limited previous evidence for pathogenicity. The c.2224-11C>T non-canonical splice variant has been reported in one individual with haematuria with no renal impairment (PMID: 14871398). (SP) 0807 - This variant has no previous evidence of pathogenicity. (I) 0905 - No published segregation evidence has been identified for this variant. (I) 1007 - No published functional evidence has been identified for this variant. (I) 1208 - Inheritance information for this variant is not currently available in this individual. (I) Legend: (SP) - Supporting pathogenic, (I) - Information, (SB) - Supporting benign

Labcorp Genetics (formerly Invitae), Labcorp
Classification: Likely pathogenic. Last evaluated: 2021-05-21. Review status: criteria provided, single submitter. Criteria: Invitae Variant Classification Sherloc (09022015). Collection method: clinical testing. Allele origin: germline.
Comment: This sequence change affects an acceptor splice site in intron 29 of the COL4A3 gene. It is expected to disrupt RNA splicing. Variants that disrupt the donor or acceptor splice site typically lead to a loss of protein function (PMID: 16199547), and loss-of-function variants in COL4A3 are known to be pathogenic (PMID: 8956999, 24854265, 26809805, 27281700). In summary, the currently available evidence indicates that the variant is pathogenic, but additional data are needed to prove that conclusively. Therefore, this variant has been classified as Likely Pathogenic. Algorithms developed to predict the effect of sequence changes on RNA splicing suggest that this variant may disrupt the consensus splice site, but this prediction has not been confirmed by published transcriptional studies. This variant has not been reported in the literature in individuals with COL4A3-related conditions. This variant is not present in population databases (ExAC no frequency).

Literature cited by the submitters: PubMed 12028435 (cited by Victorian Clinical Genetics Services, Murdoch Childrens Research Institute); PubMed 14871398 (cited by Victorian Clinical Genetics Services, Murdoch Childrens Research Institute); PubMed 16199547 (cited by Labcorp Genetics (formerly Invitae), Labcorp); PubMed 8956999 (cited by Labcorp Genetics (formerly Invitae), Labcorp); PubMed 24854265 (cited by Labcorp Genetics (formerly Invitae), Labcorp); PubMed 26809805 (cited by Labcorp Genetics (formerly Invitae), Labcorp); PubMed 27281700 (cited by Labcorp Genetics (formerly Invitae), Labcorp).

NM_000091.5(COL4A3):c.2224-2A>G

Genes: COL4A3 (collagen type IV alpha 3 chain; plus strand), MFF-DT (MFF divergent transcript; minus strand). Cytogenetic location: 2q36.3.
Variant type: single nucleotide variant.
Coding change: c.2224-2A>G on transcript NM_000091.5 (MANE Select); the canonical splice acceptor site of the intron before coding-DNA position 2224, A replaced by G.
Molecular consequence: splice acceptor variant.
Genome position (GRCh38, 1-based): chr2:227,280,438, A>G. VCF-style: chr2-227280438-A-G. GRCh37 (hg19) VCF-style: chr2-228145154-A-G.
Other names: c.2224-2A>G (NM_000091.4).
Identifiers: ClinVar variation 1465711 (VCV001465711.9), dbSNP rs1246102682, ClinGen allele CA350848884.
Genomic context (GRCh38, chr2:227,280,438, plus strand): 5'-GAGTCAATATCAGTGAAGATTTGGAAGCACTATATAGTAATAACACAATTTCTATGCTGT[A>G]GGGAGAACCAGCAGTAGCCATGCCTGGAGGACCAGGAACACCAGGTTTTCCAGGAGAAAG-3'